The following is an entry in ClinVar:

ClinVar aggregate classification (germline): Likely pathogenic. Review status: criteria provided, multiple submitters, no conflicts (2 of 4 stars). 2 submissions from 2 submitters: Likely pathogenic (2). Last evaluated 2018-07-25.

Conditions:
Cortical dysplasia, complex, with other brain malformations 13. Also called: Intellectual disability, autosomal dominant 13. Identifiers: MedGen C3281202, MONDO:0013805, OMIM 614563.

Allele frequency attached by ClinVar (database versions not stated): gnomAD exomes below 0.00001.
gnomAD v4.1: 1 of 1,614,128 alleles (0.000062%); highest among the groups gnomAD compares: Non-Finnish European, 0.000085%; no homozygotes.

Submissions (2):

Baylor Genetics
Classification: Likely pathogenic for Cortical dysplasia, complex, with other brain malformations 13. Last evaluated: 2018-07-25. Review status: criteria provided, single submitter. Criteria: ACMG Guidelines, 2015. Collection method: clinical testing. Allele origin: de novo. Affected: yes.
Comment: This variant was determined to be likely pathogenic according to ACMG Guidelines, 2015 [PMID:25741868].

Neuberg Centre For Genomic Medicine, NCGM
Classification: Likely pathogenic for Cortical dysplasia, complex, with other brain malformations 13. Review status: criteria provided, single submitter. Criteria: ACMG Guidelines, 2015. Collection method: clinical testing. Allele origin: germline. Affected: yes.
Comment: This variant has been submitted to the ClinVar database as a Likely Pathogenic variant detected in de novo state in a patient with Autosomal Dominant Mental Retardation. It has not been reported previously in literature The nucleotide change in DYNC1H1 is predicted as conserved by GERP++ and PhyloP across 100 vertebrates. The variant is novel (not in any individuals) in gnomAD Exomes and 1000 Genomes. The gene is intolerant to loss of function variants. This variant is classified as Likely pathogenic as per ACMG guidelines.

NM_001376.5(DYNC1H1):c.7474C>T (p.Arg2492Ter)

Gene: DYNC1H1 (dynein cytoplasmic 1 heavy chain 1; plus strand). Cytogenetic location: 14q32.31.
Variant type: single nucleotide variant.
Coding change: c.7474C>T on transcript NM_001376.5 (MANE Select); coding-DNA position 7474, C replaced by T.
Protein change: p.Arg2492Ter; replaces arginine 2492 with a stop codon.
Molecular consequence: nonsense.
Genome position (GRCh38, 1-based): chr14:102,016,349, C>T. VCF-style: chr14-102016349-C-T. GRCh37 (hg19) VCF-style: chr14-102482686-C-T.
Other names: short protein forms R2492*.
Identifiers: ClinVar variation 1033420 (VCV001033420.2), dbSNP rs2048322542, ClinGen allele CA391002219.
Genomic context (GRCh38, chr14:102,016,349, plus strand): 5'-GTGTCTTTCTTTTGTTGTTGAAATTTTATAAAAATCAAAGTTTAATTCCCTTTTTAATAG[C>T]GATATCTGGTTTATGCCATACTCTGGTCCCTGTCTGGAGACAGCCGGCTAAAAATGAGAG-3'